The following is an entry in ClinVar:

NM_001242896.3(DEPDC5):c.4210G>C (p.Gly1404Arg)

Gene: DEPDC5 (DEP domain containing 5, GATOR1 subcomplex subunit; plus strand). Cytogenetic location: 22q12.3.
Variant type: single nucleotide variant.
Coding change: c.4210G>C on transcript NM_001242896.3 (MANE Select); coding-DNA position 4210, G replaced by C.
Protein change: p.Gly1404Arg; replaces glycine 1404 with arginine.
Molecular consequence: missense variant. On other transcripts: non-coding transcript variant (5).
Genome position (GRCh38, 1-based): chr22:31,897,488, G>C. VCF-style: chr22-31897488-G-C. GRCh37 (hg19) VCF-style: chr22-32293474-G-C.
Other names: c.4183G>C, p.Gly1395Arg (NM_001136029.4); c.3910G>C, p.Gly1304Arg (NM_001242897.2); c.4144G>C, p.Gly1382Arg (NM_001363852.2, NM_001364320.2); c.3976G>C, p.Gly1326Arg (NM_001363854.2, NM_001364319.2); c.4210G>C, p.Gly1404Arg (NM_001364318.2); c.4126G>C, p.Gly1376Arg (NM_001369901.1, NM_001369902.1); c.4117G>C, p.Gly1373Arg (NM_001369903.1, NM_014662.6); short protein forms G1326R, G1373R, G1304R, G1404R, G1376R, G1382R, G1395R.
Identifiers: ClinVar variation 2102976 (VCV002102976.4), dbSNP rs2523314157, ClinGen allele CA411288016.

ClinVar aggregate classification (germline): Uncertain significance (1 of 4 stars; one submission).

Conditions:
Familial focal epilepsy with variable foci (FPEVF). Identifiers: Orphanet 98820, MedGen C1858477, MONDO:0020310.

Submission:

Labcorp Genetics (formerly Invitae), Labcorp
Classification: Uncertain significance for Familial focal epilepsy with variable foci. Last evaluated: 2022-03-22. Review status: criteria provided, single submitter. Criteria: Invitae Variant Classification Sherloc (09022015). Collection method: clinical testing. Allele origin: germline.
Comment: This sequence change replaces glycine, which is neutral and non-polar, with arginine, which is basic and polar, at codon 1404 of the DEPDC5 protein (p.Gly1404Arg). In summary, the available evidence is currently insufficient to determine the role of this variant in disease. Therefore, it has been classified as a Variant of Uncertain Significance. Algorithms developed to predict the effect of missense changes on protein structure and function are either unavailable or do not agree on the potential impact of this missense change (SIFT: "Deleterious"; PolyPhen-2: "Not Available"; Align-GVGD: "Class C0"). This variant has not been reported in the literature in individuals affected with DEPDC5-related conditions. This variant is not present in population databases (gnomAD no frequency).